The following is an entry in ClinVar:

ClinVar aggregate classification (germline): Likely pathogenic. Review status: criteria provided, single submitter (1 of 4 stars). 2 submissions from 2 submitters: Likely pathogenic (1). 1 of the submissions does not count toward it. Last evaluated 2021-04-26.

Conditions:
Rubinstein-Taybi syndrome due to CREBBP mutations (RSTS1). Also called: RUBINSTEIN SYNDROME; RUBINSTEIN-TAYBI SYNDROME 1, INCOMPLETE; Rubinstein-Taybi syndrome 1; CREBBP-Related Rubinstein-Taybi Syndrome; BROAD THUMB-HALLUX SYNDROME; BROAD THUMBS AND GREAT TOES, CHARACTERISTIC FACIES, AND IMPAIRED INTELLECTUAL DEVELOPMENT. Identifiers: Orphanet 353277, Orphanet 783, MedGen C4551859, MONDO:0008393, OMIM 180849.

Submissions (2):

Genetics Laboratory, UDIAT-Centre Diagnòstic, Hospital Universitari Parc Tauli
Classification: Likely pathogenic. Last evaluated: 2021-04-26. Review status: criteria provided, single submitter. Criteria: Parc Tauli Hospital Assertion Criteria 2021. Collection method: clinical testing. Allele origin: de novo. Inheritance: Autosomal dominant inheritance. Affected: yes. Observed: 1 heterozygote.
Comment: PVS1_strong;PM2_supporting;PM6_moderate

Wessex Regional Genetics Laboratory, Salisbury District Hospital
Classification: Pathogenic for Rubinstein-Taybi syndrome due to CREBBP mutations. Last evaluated: 2019-11-05. Review status: no assertion criteria provided. Criteria: ACMG Guidelines, 2015. Collection method: clinical testing. Allele origin: unknown. Inheritance: Autosomal dominant inheritance. Affected: yes. Not counted in ClinVar's aggregate classification.

NM_004380.3(CREBBP):c.6113_6137dup (p.Ala2047fs)

Gene: CREBBP (CREB binding lysine acetyltransferase; minus strand). Cytogenetic location: 16p13.3.
Variant type: Duplication.
Coding change: c.6113_6137dup on transcript NM_004380.3 (MANE Select); coding-DNA positions 6113 to 6137, 25 bases duplicated (CTGTGATATCCATGCAGGCCCAGGC).
Protein change: p.Ala2047fs; shifts the reading frame from alanine 2047.
Molecular consequence: frameshift variant.
Genome position (GRCh38, 1-based): chr16:3,728,910-3,728,934, GCCTGGGCCTGCATGGATATCACAG duplicated on the plus strand (CTGTGATATCCATGCAGGCCCAGGC on the coding strand, the reverse complement: CREBBP is on the minus strand); duplicating any 25 consecutive bases within chr16:3,728,910-3,728,942 gives the same sequence; the c. name uses the placement nearest the transcript's 3' end. VCF-style (leftmost placement, unchanged base first): chr16-3728909-C-CGCCTGGGCCTGCATGGATATCACAG. GRCh37 (hg19) VCF-style: chr16-3778910-C-CGCCTGGGCCTGCATGGATATCACAG.
Other names: c.5999_6023dup, p.Ala2009fs (NM_001079846.1); c.6113_6137dupCTGTGATATCCATGCAGGCCCAGGC (NM_004380.3); short protein forms A2047fs, A2009fs.
Identifiers: ClinVar variation 694793 (VCV000694793.3), dbSNP rs1596784713, ClinGen allele CA915949062.